The following is an entry in ClinVar:

ClinVar aggregate classification (germline): Uncertain significance (1 of 4 stars; one submission).

Conditions:
PLXNA4-related disorder. Also called: PLXNA4-related condition.

Allele frequency attached by ClinVar (database versions not stated): ExAC 0.00004; ESP Exome Variant Server 0.00008; gnomAD 0.00016; 1000 Genomes Project 30x 0.00031; 1000 Genomes Project 0.00040.
gnomAD v4.1: 38 of 1,613,702 alleles (0.0024%); highest among the groups gnomAD compares: African/African-American, 0.045%; no homozygotes.

Submission:

PreventionGenetics, part of Exact Sciences
Classification: Uncertain significance for PLXNA4-related condition. Last evaluated: 2025-04-22. Review status: criteria provided, single submitter. Criteria: ACMG Guidelines, 2015. Collection method: clinical testing. Allele origin: germline.
Comment: The PLXNA4 c.1907A>T variant is predicted to result in the amino acid substitution p.Gln636Leu. To our knowledge, this variant has not been reported in the literature. This variant is reported in 0.033% of alleles in individuals of African descent in gnomAD. At this time, the clinical significance of this variant is uncertain due to the absence of conclusive functional and genetic evidence.

NM_020911.2(PLXNA4):c.1907A>T (p.Gln636Leu)

Gene: PLXNA4 (plexin A4; minus strand). Cytogenetic location: 7q32.3.
Variant type: single nucleotide variant.
Coding change: c.1907A>T on transcript NM_020911.2 (MANE Select); coding-DNA position 1907, A replaced by T.
Protein change: p.Gln636Leu; replaces glutamine 636 with leucine.
Molecular consequence: missense variant.
Genome position (GRCh38, 1-based): chr7:132,226,236, T>A on the plus strand (A>T on the coding strand, the complement: PLXNA4 is on the minus strand). VCF-style: chr7-132226236-T-A. GRCh37 (hg19) VCF-style: chr7-131910995-T-A.
Other names: c.1907A>T, p.Gln636Leu (NM_001393897.1); short protein forms Q636L.
Identifiers: ClinVar variation 2629045 (VCV002629045.3), dbSNP rs371316009, ClinGen allele CA4489953.
Genomic context (GRCh38, chr7:132,226,236, plus strand): 5'-CAATTGTAGAAGACAAAGCTGGTGCTGGCGAAGGTCATGCCGGTCTCCTTTGATTTGAGC[T>A]GAAGCTGTACGACATGGTGGTCCCCTACAAGGAGAGATGGCTGAGGGGTCAGGGAATGCT-3'
Protein context (NP_065962.1, residues 626-646): ENGDHHVVQL[Gln636Leu]LKSKETGMTF